The following is an entry in ClinVar:

NM_005652.5(TERF2):c.240G>C (p.Pro80=)

Genes: TERF2 (telomeric repeat binding factor 2; minus strand), LOC130059309 (ATAC-STARR-seq lymphoblastoid silent region 7660; plus strand). Cytogenetic location: 16q22.1.
Variant type: single nucleotide variant.
Coding change: c.240G>C on transcript NM_005652.5 (MANE Select); coding-DNA position 240, G replaced by C.
Protein change: p.Pro80=; no amino-acid change (proline 80 retained).
Molecular consequence: synonymous variant.
Genome position (GRCh38, 1-based): chr16:69,385,732, C>G on the plus strand (G>C on the coding strand, the complement: TERF2 is on the minus strand). VCF-style: chr16-69385732-C-G. GRCh37 (hg19) VCF-style: chr16-69419635-C-G.
Identifiers: ClinVar variation 3038892 (VCV003038892.2), dbSNP rs2014176824, ClinGen allele CA496397801.

ClinVar aggregate classification (germline): Likely benign (0 of 4 stars; one submission).

Conditions:
TERF2-related disorder. Also called: TERF2-related condition.

Submission:

PreventionGenetics, part of Exact Sciences
Classification: Likely benign for TERF2-related condition. Last evaluated: 2019-05-28. Review status: no assertion criteria provided. Collection method: clinical testing. Allele origin: germline.
Comment: This variant is classified as likely benign based on ACMG/AMP sequence variant interpretation guidelines (Richards et al. 2015 PMID: 25741868, with internal and published modifications).